The following is an entry in ClinVar:

ClinVar aggregate classification (germline): Uncertain significance (1 of 4 stars; one submission).

Conditions:
POLD1-related polyposis and colorectal cancer syndrome (CRCS10). Also called: Colorectal cancer 10; COLORECTAL CANCER, SUSCEPTIBILITY TO, ON CHROMOSOME 19q; Colorectal cancer, susceptibility to, 10. Identifiers: Orphanet 220460, MedGen C2675481, MONDO:0012953, OMIM 612591.

Submission:

Labcorp Genetics (formerly Invitae), Labcorp
Classification: Uncertain significance for POLD1-related polyposis and colorectal cancer syndrome. Last evaluated: 2019-12-13. Review status: criteria provided, single submitter. Criteria: Invitae Variant Classification Sherloc (09022015). Collection method: clinical testing. Allele origin: germline.
Comment: This sequence change replaces leucine with valine at codon 62 of the POLD1 protein (p.Leu62Val). The leucine residue is weakly conserved and there is a small physicochemical difference between leucine and valine. This variant is not present in population databases (ExAC no frequency). In summary, the available evidence is currently insufficient to determine the role of this variant in disease. Therefore, it has been classified as a Variant of Uncertain Significance. Algorithms developed to predict the effect of missense changes on protein structure and function output the following: SIFT: "Tolerated"; PolyPhen-2: "Benign"; Align-GVGD: "Class C0". The valine amino acid residue is found in multiple mammalian species, suggesting that this missense change does not adversely affect protein function. These predictions have not been confirmed by published functional studies and their clinical significance is uncertain. This variant has not been reported in the literature in individuals with POLD1-related conditions.

NM_002691.4(POLD1):c.184C>G (p.Leu62Val)

Gene: POLD1 (DNA polymerase delta 1, catalytic subunit; plus strand). Cytogenetic location: 19q13.33.
Variant type: single nucleotide variant.
Coding change: c.184C>G on transcript NM_002691.4 (MANE Select); coding-DNA position 184, C replaced by G.
Protein change: p.Leu62Val; replaces leucine 62 with valine.
Molecular consequence: missense variant. On other transcripts: non-coding transcript variant (1).
Genome position (GRCh38, 1-based): chr19:50,399,035, C>G. VCF-style: chr19-50399035-C-G. GRCh37 (hg19) VCF-style: chr19-50902292-C-G.
Other names: c.184C>G, p.Leu62Val (NM_001256849.1, NM_001308632.1); short protein forms L62V.
Identifiers: ClinVar variation 851924 (VCV000851924.10), dbSNP rs747055885, ClinGen allele CA406970331.